The following is an entry in ClinVar:

NM_006231.4(POLE):c.5658C>T (p.Tyr1886=)

Gene: POLE (DNA polymerase epsilon, catalytic subunit; minus strand). Cytogenetic location: 12q24.33.
Variant type: single nucleotide variant.
Coding change: c.5658C>T on transcript NM_006231.4 (MANE Select); coding-DNA position 5658, C replaced by T.
Protein change: p.Tyr1886=; no amino-acid change (tyrosine 1886 retained).
Molecular consequence: synonymous variant.
Genome position (GRCh38, 1-based): chr12:132,638,034, G>A on the plus strand (C>T on the coding strand, the complement: POLE is on the minus strand). VCF-style: chr12-132638034-G-A. GRCh37 (hg19) VCF-style: chr12-133214620-G-A.
Identifiers: ClinVar variation 389099 (VCV000389099.20), dbSNP rs369346799, ClinGen allele CA6892449.

ClinVar aggregate classification (germline): Likely benign. Review status: criteria provided, multiple submitters, no conflicts (2 of 4 stars). 5 submissions from 5 submitters: Likely benign (4). 1 of the submissions does not count toward it. Last evaluated 2025-12-24.

Conditions:
Hereditary cancer-predisposing syndrome. Also called: Hereditary Cancer Syndrome; Hereditary neoplastic syndrome; Neoplastic Syndromes, Hereditary; Tumor predisposition. Identifiers: Orphanet 140162, MedGen C0027672, MeSH D009386, MONDO:0015356.
POLE-related disorder. Also called: POLE-related condition; POLE-related disorders.

Allele frequency attached by ClinVar (database versions not stated): gnomAD exomes below 0.00001; ExAC 0.00001; gnomAD 0.00002; TOPMed 0.00002; ESP Exome Variant Server 0.00008.
gnomAD v4.1: 13 of 1,613,876 alleles (0.00081%); highest among the groups gnomAD compares: African/African-American, 0.0027%; no homozygotes.

Submissions (5):

Labcorp Genetics (formerly Invitae), Labcorp
Classification: Likely benign. Last evaluated: 2025-12-24. Review status: criteria provided, single submitter. Criteria: Invitae Variant Classification Sherloc (09022015). Collection method: clinical testing. Allele origin: germline.

Quest Diagnostics Nichols Institute San Juan Capistrano
Classification: Likely benign. Last evaluated: 2019-05-30. Review status: criteria provided, single submitter. Criteria: Quest Diagnostics criteria. Collection method: clinical testing. Allele origin: germline.

GeneDx
Classification: Likely benign. Last evaluated: 2016-09-02. Review status: criteria provided, single submitter. Criteria: GeneDx Variant Classification (06012015). Collection method: clinical testing. Allele origin: germline. Affected: yes.
Comment: This variant is considered likely benign or benign based on one or more of the following criteria: it is a conservative change, it occurs at a poorly conserved position in the protein, it is predicted to be benign by multiple in silico algorithms, and/or has population frequency not consistent with disease.

Ambry Genetics
Classification: Likely benign for Hereditary cancer-predisposing syndrome. Last evaluated: 2016-07-07. Review status: criteria provided, single submitter. Criteria: Ambry Variant Classification Scheme 2023. Collection method: clinical testing. Allele origin: germline.

PreventionGenetics, part of Exact Sciences
Classification: Likely benign for POLE-related condition. Last evaluated: 2019-09-20. Review status: no assertion criteria provided. Collection method: clinical testing. Allele origin: germline. Not counted in ClinVar's aggregate classification.
Comment: This variant is classified as likely benign based on ACMG/AMP sequence variant interpretation guidelines (Richards et al. 2015 PMID: 25741868, with internal and published modifications).